The following is an entry in ClinVar:

ClinVar aggregate classification (germline): Uncertain significance (1 of 4 stars; one submission).

Conditions:
Hereditary spastic paraplegia 11. Also called: Spastic Paraplegia 11; Spastic paraplegia, mental retardation and thin corpus callosum; Nakamura Osame syndrome; Autosomal recessive hereditary spastic paraplegia, mental impairment, and thin corpus callosum; SPASTIC PARAPLEGIA, AUTOSOMAL RECESSIVE, COMPLICATED, WITH THIN CORPUS CALLOSUM; SPASTIC PARAPLEGIA, AUTOSOMAL RECESSIVE, WITH MENTAL IMPAIRMENT AND THIN CORPUS CALLOSUM. Identifiers: Orphanet 2822, MedGen C1858479, MONDO:0011445, OMIM 604360.

Allele frequency attached by ClinVar (database versions not stated): gnomAD exomes below 0.00001.
gnomAD v4.1: 3 of 1,614,194 alleles (0.00019%); highest among the groups gnomAD compares: South Asian, 0.0022%; no homozygotes.

Submission:

Labcorp Genetics (formerly Invitae), Labcorp
Classification: Uncertain significance for Hereditary spastic paraplegia 11. Last evaluated: 2022-04-11. Review status: criteria provided, single submitter. Criteria: Invitae Variant Classification Sherloc (09022015). Collection method: clinical testing. Allele origin: germline.
Comment: This sequence change replaces isoleucine, which is neutral and non-polar, with valine, which is neutral and non-polar, at codon 177 of the SPG11 protein (p.Ile177Val). This variant is present in population databases (no rsID available, gnomAD 0.0009%). This variant has not been reported in the literature in individuals affected with SPG11-related conditions. Algorithms developed to predict the effect of missense changes on protein structure and function output the following: SIFT: "Tolerated"; PolyPhen-2: "Benign"; Align-GVGD: "Class C0". The valine amino acid residue is found in multiple mammalian species, which suggests that this missense change does not adversely affect protein function. In summary, the available evidence is currently insufficient to determine the role of this variant in disease. Therefore, it has been classified as a Variant of Uncertain Significance.

NM_025137.4(SPG11):c.529A>G (p.Ile177Val)

Gene: SPG11 (SPG11 vesicle trafficking associated, spatacsin; minus strand). Cytogenetic location: 15q21.1.
Variant type: single nucleotide variant.
Coding change: c.529A>G on transcript NM_025137.4 (MANE Select); coding-DNA position 529, A replaced by G.
Protein change: p.Ile177Val; replaces isoleucine 177 with valine.
Molecular consequence: missense variant.
Genome position (GRCh38, 1-based): chr15:44,659,217, T>C on the plus strand (A>G on the coding strand, the complement: SPG11 is on the minus strand). VCF-style: chr15-44659217-T-C. GRCh37 (hg19) VCF-style: chr15-44951415-T-C.
Other names: c.529A>G, p.Ile177Val (NM_001160227.2, NM_001411132.1); short protein forms I177V.
Identifiers: ClinVar variation 2099161 (VCV002099161.4), dbSNP rs1472010162, ClinGen allele CA392237859.